The following is an entry in ClinVar:

ClinVar aggregate classification (germline): Uncertain significance (1 of 4 stars; one submission).

Allele frequency attached by ClinVar (database versions not stated): gnomAD exomes below 0.00001.
gnomAD v4.1: 3 of 1,613,572 alleles (0.00019%); highest among the groups gnomAD compares: Non-Finnish European, 0.00017%; no homozygotes.

Submission:

Labcorp Genetics (formerly Invitae), Labcorp
Classification: Uncertain significance. Last evaluated: 2023-06-04. Review status: criteria provided, single submitter. Criteria: Invitae Variant Classification Sherloc (09022015). Collection method: clinical testing. Allele origin: germline.
Comment: In summary, the available evidence is currently insufficient to determine the role of this variant in disease. Therefore, it has been classified as a Variant of Uncertain Significance. An algorithm developed to predict the effect of missense changes on protein structure and function (PolyPhen-2) suggests that this variant is likely to be disruptive. This variant has not been reported in the literature in individuals affected with DDX58-related conditions. This variant is not present in population databases (gnomAD no frequency). This sequence change replaces tryptophan, which is neutral and slightly polar, with cysteine, which is neutral and slightly polar, at codon 32 of the DDX58 protein (p.Trp32Cys).

NM_014314.4(RIGI):c.96G>C (p.Trp32Cys)

Gene: RIGI (RNA sensor RIG-I; minus strand). Cytogenetic location: 9p21.1.
Variant type: single nucleotide variant.
Coding change: c.96G>C on transcript NM_014314.4 (MANE Select); coding-DNA position 96, G replaced by C.
Protein change: p.Trp32Cys; replaces tryptophan 32 with cysteine.
Molecular consequence: missense variant. On other transcripts: 5 prime UTR variant (3).
Genome position (GRCh38, 1-based): chr9:32,526,071, C>G on the plus strand (G>C on the coding strand, the complement: RIGI is on the minus strand). VCF-style: chr9-32526071-C-G. GRCh37 (hg19) VCF-style: chr9-32526069-C-G.
Other names: c.96G>C, p.Trp32Cys (NM_001385907.1, NM_001385909.1, NM_001385913.1); c.-359G>C (NM_001385910.1, NM_001385914.1); c.-366G>C (NM_001385912.1); short protein forms W32C.
Identifiers: ClinVar variation 3001881 (VCV003001881.3), dbSNP rs2489411056, ClinGen allele CA373150717.
Genomic context (GRCh38, chr9:32,526,071, plus strand): 5'-ACAAGTCCTCAATTGTTTTCCGCCGAGAAGGCGCCGCTGGAGACACTCACCCTCCCTAAA[C>G]CAGGGGGCCATGTAGCTCAGGATGTAGGTAGGGTCCAGGGTCTTCCGGATATAATCCTGG-3'
Protein context (NP_055129.2, residues 22-42): PTYILSYMAP[Trp32Cys]FREEEVQYIQ